The following is an entry in ClinVar:

NM_004006.3(DMD):c.7675A>G (p.Asn2559Asp)

Gene: DMD (dystrophin; minus strand). Cytogenetic location: Xp21.1.
Variant type: single nucleotide variant.
Coding change: c.7675A>G on transcript NM_004006.3 (MANE Select); coding-DNA position 7675, A replaced by G.
Protein change: p.Asn2559Asp; replaces asparagine 2559 with aspartic acid.
Molecular consequence: missense variant.
Genome position (GRCh38, 1-based): chrX:31,679,572, T>C on the plus strand (A>G on the coding strand, the complement: DMD is on the minus strand). VCF-style: chrX-31679572-T-C. GRCh37 (hg19) VCF-style: chrX-31697689-T-C.
Other names: c.7651A>G, p.Asn2551Asp (NM_000109.4); c.7663A>G, p.Asn2555Asp (NM_004009.3); c.7306A>G, p.Asn2436Asp (NM_004010.3); c.3652A>G, p.Asn1218Asp (NM_004011.4); c.3643A>G, p.Asn1215Asp (NM_004012.4); c.295A>G, p.Asn99Asp (NM_004013.3, NM_004020.4, NM_004021.3 and 2 more transcripts); short protein forms N1215D, N1218D, N2436D, N2551D, N2555D, N2559D, N99D.
Identifiers: ClinVar variation 1714521 (VCV001714521.6), dbSNP rs2529180481, ClinGen allele CA412656993.
Genomic context (GRCh38, chrX:31,679,572, plus strand): 5'-ACATTTCATTCAACTGTTGCCTCCGGTTCTGAAGGTGTTCTTGTACTTCATCCCACTGAT[T>C]CTGAATTCTTTCAACTAGAATAAAAGGAAAAATAAATATATAGTAGTAAATGCTAGTCTG-3'
Protein context (NP_003997.2, residues 2549-2569): IITDRIERIQ[Asn2559Asp]QWDEVQEHLQ

ClinVar aggregate classification (germline): Uncertain significance (1 of 4 stars; one submission).

Conditions:
Duchenne muscular dystrophy (DMD). Also called: MUSCULAR DYSTROPHY, PSEUDOHYPERTROPHIC PROGRESSIVE, DUCHENNE TYPE; Duchenne Muscular Dystrophy (DMD). Identifiers: Orphanet 98896, MedGen C0013264, MONDO:0010679, OMIM 310200.

Submission:

Labcorp Genetics (formerly Invitae), Labcorp
Classification: Uncertain significance for Duchenne muscular dystrophy. Last evaluated: 2025-06-12. Review status: criteria provided, single submitter. Criteria: Invitae Variant Classification Sherloc (09022015). Collection method: clinical testing. Allele origin: germline.
Comment: This sequence change replaces asparagine, which is neutral and polar, with aspartic acid, which is acidic and polar, at codon 2559 of the DMD protein (p.Asn2559Asp). This variant is not present in population databases (gnomAD no frequency). This variant has not been reported in the literature in individuals affected with DMD-related conditions. ClinVar contains an entry for this variant (Variation ID: 1714521). Invitae Evidence Modeling of protein sequence and biophysical properties (such as structural, functional, and spatial information, amino acid conservation, physicochemical variation, residue mobility, and thermodynamic stability) indicates that this missense variant is not expected to disrupt DMD protein function with a negative predictive value of 95%. In summary, the available evidence is currently insufficient to determine the role of this variant in disease. Therefore, it has been classified as a Variant of Uncertain Significance.